The following is an entry in ClinVar:

ClinVar aggregate classification (germline): Uncertain significance. Review status: criteria provided, multiple submitters, no conflicts (2 of 4 stars). 4 submissions from 4 submitters: Uncertain significance (4). Last evaluated 2026-08-20.

Conditions:
TCF3-related disorder. Also called: TCF3-related condition.

Allele frequency attached by ClinVar (database versions not stated): gnomAD exomes 0.00002; ExAC 0.00003.
gnomAD v4.1: 33 of 1,613,202 alleles (0.002%); highest among the groups gnomAD compares: Middle Eastern, 0.033%; no homozygotes.

Submissions (4):

PreventionGenetics, part of Exact Sciences
Classification: Uncertain significance for TCF3-related condition. Last evaluated: 2026-08-20. Review status: criteria provided, single submitter. Criteria: ACMG Guidelines, 2015. Collection method: clinical testing. Allele origin: germline.
Comment: The TCF3 c.1579C>T variant is predicted to result in the amino acid substitution p.Arg527Trp. To our knowledge, this variant has not been reported in the literature. This variant is reported in 0.010% of alleles in individuals of East Asian descent in gnomAD. At this time, the clinical significance of this variant is uncertain due to the absence of conclusive functional and genetic evidence.

Labcorp Genetics (formerly Invitae), Labcorp
Classification: Uncertain significance. Last evaluated: 2026-01-22. Review status: criteria provided, single submitter. Criteria: Invitae Variant Classification Sherloc (09022015). Collection method: clinical testing. Allele origin: germline.
Comment: This sequence change replaces arginine, which is basic and polar, with tryptophan, which is neutral and slightly polar, at codon 527 of the TCF3 protein (p.Arg527Trp). This variant is present in population databases (rs767665186, gnomAD 0.01%). This variant has not been reported in the literature in individuals affected with TCF3-related conditions. ClinVar contains an entry for this variant (Variation ID: 1408762). Invitae Evidence Modeling of protein sequence and biophysical properties (such as structural, functional, and spatial information, amino acid conservation, physicochemical variation, residue mobility, and thermodynamic stability) indicates that this missense variant is expected to disrupt TCF3 protein function with a positive predictive value of 80%. In summary, the available evidence is currently insufficient to determine the role of this variant in disease. Therefore, it has been classified as a Variant of Uncertain Significance.

CeGaT Center for Human Genetics Tuebingen
Classification: Uncertain significance. Last evaluated: 2024-05-01. Review status: criteria provided, single submitter. Criteria: CeGaT Center For Human Genetics Tuebingen Variant Classification Criteria Version 2. Collection method: clinical testing. Allele origin: germline. Affected: yes. Observed: 1 variant allele.
Comment: TCF3: PM2

Breakthrough Genomics
Classification: Uncertain significance. Review status: criteria provided, single submitter. Criteria: ACMG Guidelines, 2015. Collection method: not provided. Allele origin: germline. Inheritance: Autosomal recessive inheritance. Affected: yes.

NM_003200.5(TCF3):c.1579C>T (p.Arg527Trp)

Gene: TCF3 (transcription factor 3; minus strand). Cytogenetic location: 19p13.3.
Variant type: single nucleotide variant.
Coding change: c.1579C>T on transcript NM_003200.5 (MANE Select); coding-DNA position 1579, C replaced by T.
Protein change: p.Arg527Trp; replaces arginine 527 with tryptophan.
Molecular consequence: missense variant.
Genome position (GRCh38, 1-based): chr19:1,615,693, G>A on the plus strand (C>T on the coding strand, the complement: TCF3 is on the minus strand). VCF-style: chr19-1615693-G-A. GRCh37 (hg19) VCF-style: chr19-1615692-G-A.
Other names: c.1579C>T (NM_003200.3); c.1579C>T, p.Arg527Trp (NM_001136139.4, NM_001351779.2); c.1576C>T, p.Arg526Trp (NM_001351778.2); short protein forms R526W, R527W.
Identifiers: ClinVar variation 1408762 (VCV001408762.26), dbSNP rs767665186, ClinGen allele CA9049757.